The following is an entry in ClinVar:

NM_001369268.1(ACAN):c.1930G>A (p.Gly644Ser)

Gene: ACAN (aggrecan; plus strand). Cytogenetic location: 15q26.1.
Variant type: single nucleotide variant.
Coding change: c.1930G>A on transcript NM_001369268.1 (MANE Select); coding-DNA position 1930, G replaced by A.
Protein change: p.Gly644Ser; replaces glycine 644 with serine.
Molecular consequence: missense variant.
Genome position (GRCh38, 1-based): chr15:88,849,635, G>A. VCF-style: chr15-88849635-G-A. GRCh37 (hg19) VCF-style: chr15-89392866-G-A.
Other names: c.1930G>A, p.Gly644Ser (NM_001135.4, NM_001411096.1, NM_001411097.1 and 1 more transcripts); short protein forms G644S.
Identifiers: ClinVar variation 2152251 (VCV002152251.6), dbSNP rs762106035, ClinGen allele CA7719732.

ClinVar aggregate classification (germline): Uncertain significance. Review status: criteria provided, multiple submitters, no conflicts (2 of 4 stars). 2 submissions from 2 submitters: Uncertain significance (2). Last evaluated 2025-01-22.

Conditions:
Spondyloepiphyseal dysplasia, Kimberley type. Identifiers: Orphanet 93283, MedGen C1842149, MONDO:0012019, OMIM 608361.
Spondyloepimetaphyseal dysplasia, aggrecan type. Also called: SEMD, AGGRECAN TYPE. Identifiers: Orphanet 171866, MedGen C2748544, MONDO:0013014, OMIM 612813.
Short stature and advanced bone age, with or without early-onset osteoarthritis and/or osteochondritis dissecans (SSOAOD). Identifiers: Orphanet 251262, MedGen C3665488, MONDO:0100462, OMIM 165800.

Allele frequency attached by ClinVar (database versions not stated): gnomAD 0.00003; TOPMed 0.00005.
gnomAD v4.1: 38 of 1,612,850 alleles (0.0024%); highest among the groups gnomAD compares: East Asian, 0.031%; no homozygotes.

Submissions (2):

Labcorp Genetics (formerly Invitae), Labcorp
Classification: Uncertain significance. Last evaluated: 2025-01-22. Review status: criteria provided, single submitter. Criteria: Invitae Variant Classification Sherloc (09022015). Collection method: clinical testing. Allele origin: germline.
Comment: This sequence change replaces glycine, which is neutral and non-polar, with serine, which is neutral and polar, at codon 644 of the ACAN protein (p.Gly644Ser). This variant is present in population databases (rs762106035, gnomAD 0.07%). This missense change has been observed in individual(s) with clinical features of ACAN-related conditions (PMID: 29464738). ClinVar contains an entry for this variant (Variation ID: 2152251). Invitae Evidence Modeling of protein sequence and biophysical properties (such as structural, functional, and spatial information, amino acid conservation, physicochemical variation, residue mobility, and thermodynamic stability) indicates that this missense variant is not expected to disrupt ACAN protein function with a negative predictive value of 80%. In summary, the available evidence is currently insufficient to determine the role of this variant in disease. Therefore, it has been classified as a Variant of Uncertain Significance.

Juno Genomics, Hangzhou Juno Genomics, Inc
Classification: Uncertain significance for Spondyloepimetaphyseal dysplasia, aggrecan type; Short stature and advanced bone age, with or without early-onset osteoarthritis and/or osteochondritis dissecans; Spondyloepiphyseal dysplasia, Kimberley type. Review status: criteria provided, single submitter. Criteria: ACMG Guidelines, 2015. Collection method: clinical testing. Allele origin: germline.
Comment: Absent from controls (or at extremely low frequency if recessive) in Genome Aggregation Database.

Literature cited by the submitters: PubMed 29464738 (cited by Labcorp Genetics (formerly Invitae), Labcorp).